The following is an entry in ClinVar:

ClinVar aggregate classification (germline): Uncertain significance (1 of 4 stars; one submission).

Conditions:
Cholestanol storage disease (CTX). Also called: CEREBRAL CHOLESTERINOSIS; Cerebrotendinous Xanthomatosis; CTX: Cerebrotendinous xanthomatosis. Identifiers: Orphanet 909, MedGen C0238052, MONDO:0008948, OMIM 213700.

Submission:

Labcorp Genetics (formerly Invitae), Labcorp
Classification: Uncertain significance for Cholestanol storage disease. Last evaluated: 2022-10-25. Review status: criteria provided, single submitter. Criteria: Invitae Variant Classification Sherloc (09022015). Collection method: clinical testing. Allele origin: germline.
Comment: Algorithms developed to predict the effect of missense changes on protein structure and function (SIFT, PolyPhen-2, Align-GVGD) all suggest that this variant is likely to be disruptive. This sequence change replaces phenylalanine, which is neutral and non-polar, with cysteine, which is neutral and slightly polar, at codon 256 of the CYP27A1 protein (p.Phe256Cys). This variant is not present in population databases (gnomAD no frequency). This variant has not been reported in the literature in individuals affected with CYP27A1-related conditions. ClinVar contains an entry for this variant (Variation ID: 1371191). Algorithms developed to predict the effect of sequence changes on RNA splicing suggest that this variant may disrupt the consensus splice site. In summary, the available evidence is currently insufficient to determine the role of this variant in disease. Therefore, it has been classified as a Variant of Uncertain Significance.

NM_000784.4(CYP27A1):c.767T>G (p.Phe256Cys)

Gene: CYP27A1 (cytochrome P450 family 27 subfamily A member 1; plus strand). Cytogenetic location: 2q35.
Variant type: single nucleotide variant.
Coding change: c.767T>G on transcript NM_000784.4 (MANE Select); coding-DNA position 767, T replaced by G.
Protein change: p.Phe256Cys; replaces phenylalanine 256 with cysteine.
Molecular consequence: missense variant.
Genome position (GRCh38, 1-based): chr2:218,812,672, T>G. VCF-style: chr2-218812672-T-G. GRCh37 (hg19) VCF-style: chr2-219677395-T-G.
Other names: short protein forms F256C.
Identifiers: ClinVar variation 1371191 (VCV001371191.6), dbSNP rs2105980216, ClinGen allele CA350586987.
Genomic context (GRCh38, chr2:218,812,672, plus strand): 5'-ACACCGTGACCTTCGTCAGATCCATCGGGTTAATGTTCCAGAACTCACTCTATGCCACCT[T>G]CCTCCCCAAGTGGACTCGCCCCGTGCTGCCTTTCTGGAAGCGATACCTGGATGGTTGGAA-3'
Protein context (NP_000775.1, residues 246-266): LMFQNSLYAT[Phe256Cys]LPKWTRPVLP